The following is an entry in ClinVar:

ClinVar aggregate classification (germline): Pathogenic (1 of 4 stars; one submission).

Conditions:
Congenital myotonia, autosomal dominant form (THD). Also called: THOMSEN DISEASE; Myotonia congenita autosomal dominant. Identifiers: Orphanet 614, MedGen C2936781, MONDO:0008055, OMIM 160800.
Congenital myotonia, autosomal recessive form. Also called: BECKER DISEASE; Becker Generalized Myotonia; myotonia congenita, autosomal recessive. Identifiers: Orphanet 614, MedGen C0751360, MONDO:0009715, OMIM 255700.

Submission:

Labcorp Genetics (formerly Invitae), Labcorp
Classification: Pathogenic for Congenital myotonia, autosomal recessive form; Congenital myotonia, autosomal dominant form. Last evaluated: 2019-10-12. Review status: criteria provided, single submitter. Criteria: Invitae Variant Classification Sherloc (09022015). Collection method: clinical testing. Allele origin: germline.
Comment: This variant disrupts the C-terminus of the CLCN1 protein. Other variant(s) that disrupt this region (p.Gly945Argfs*39) have been determined to be pathogenic (PMID: 18337100, Invitae). This suggests that variants that disrupt this region of the protein are likely to be causative of disease. For these reasons, this variant has been classified as Pathogenic. This variant has not been reported in the literature in individuals with CLCN1-related conditions. ClinVar contains an entry for this variant (Variation ID: 577396). This variant is not present in population databases (ExAC no frequency). This sequence change results in a premature translational stop signal in the CLCN1 gene (p.Val922Aspfs*61). While this is not anticipated to result in nonsense mediated decay, it is expected to disrupt the last 67 amino acids of the CLCN1 protein.

Literature cited by the submitters: PubMed 18337100.

NM_000083.3(CLCN1):c.2765_2766del (p.Val922fs)

Gene: CLCN1 (chloride voltage-gated channel 1; plus strand). Cytogenetic location: 7q34.
Variant type: Microsatellite.
Coding change: c.2765_2766del on transcript NM_000083.3 (MANE Select); coding-DNA positions 2765 to 2766, 2 bases deleted (TG; older notation c.2765_2766delTG).
Protein change: p.Val922fs; shifts the reading frame from valine 922.
Molecular consequence: frameshift variant. On other transcripts: non-coding transcript variant (1).
Genome position (GRCh38, 1-based): chr7:143,351,763-143,351,764, TG deleted; deleting any 2 consecutive bases within chr7:143,351,761-143,351,764 gives the same sequence; the c. name uses the placement nearest the transcript's 3' end. VCF-style (leftmost placement, unchanged base first): chr7-143351760-ATG-A. GRCh37 (hg19) VCF-style: chr7-143048853-ATG-A.
Other names: c.2765_2766del (NM_000083.2); short protein forms V922fs.
Identifiers: ClinVar variation 577396 (VCV000577396.10), dbSNP rs1563091175, ClinGen allele CA891842700.
Genomic context (GRCh38, chr7:143,351,760, plus strand): 5'-CATCTTCTGCAGAGAACTGGAACCTGCCTGAGGACAGGCCTGGGGCCACTGGAACAGGGG[ATG>A]TGATTGCTGCCTCCCCAGAGACCCCTGTGCCATCTCCTTCCCCAGAGCCCCCTCTCTCCC-3'